The following is an entry in ClinVar:

NM_002905.5(RDH5):c.-120G>A

Genes: BLOC1S1-RDH5 (BLOC1S1-RDH5 readthrough; plus strand), RDH5 (retinol dehydrogenase 5; plus strand). Cytogenetic location: 12q13.2.
Variant type: single nucleotide variant.
Coding change: c.-120G>A on transcript NM_002905.5 (MANE Select); 120 bases upstream of the start codon, G replaced by A.
Molecular consequence: 5 prime UTR variant.
Genome position (GRCh38, 1-based): chr12:55,720,430, G>A. VCF-style: chr12-55720430-G-A. GRCh37 (hg19) VCF-style: chr12-56114214-G-A.
Other names: c.-125G>A (NM_001199771.3).
Identifiers: ClinVar variation 309810 (VCV000309810.6), dbSNP rs7972217, ClinGen allele CA10642029.

ClinVar aggregate classification (germline): Likely benign. Review status: criteria provided, multiple submitters, no conflicts (2 of 4 stars). 2 submissions from 2 submitters: Likely benign (2). Last evaluated 2018-01-13.

Conditions:
Pigmentary retinal dystrophy. Also called: Fundus albipunctatus. Identifiers: Orphanet 227796, Orphanet 52427, MedGen C0311338, MONDO:0007639, OMIM 136880, HP:0030642.

Allele frequency attached by ClinVar (database versions not stated): 1000 Genomes Project 0.00200; 1000 Genomes Project 30x 0.00203; TOPMed 0.00268; gnomAD 0.00433 and 0.00451.

Submissions (2):

Illumina Laboratory Services, Illumina
Classification: Likely benign for Pigmentary retinal dystrophy. Last evaluated: 2018-01-13. Review status: criteria provided, single submitter. Criteria: ICSL Variant Classification Criteria 13 December 2019. Collection method: clinical testing. Allele origin: germline.
Comment: This variant was observed in the ICSL laboratory as part of a predisposition screen in an ostensibly healthy population. It had not been previously curated by ICSL or reported in the Human Gene Mutation Database (HGMD: prior to June 1st, 2018), and was therefore a candidate for classification through an automated scoring system. Utilizing variant allele frequency, disease prevalence and penetrance estimates, and inheritance mode, an automated score was calculated to assess if this variant is too frequent to cause the disease. Based on the score and internal cut-off values, a variant classified as likely benign is not then subjected to further curation. The score for this variant resulted in a classification of likely benign for this disease.

Breakthrough Genomics
Classification: Likely benign. Review status: criteria provided, single submitter. Criteria: ACMG Guidelines, 2015. Collection method: not provided. Allele origin: germline. Inheritance: Autosomal dominant inheritance. Affected: yes.